The following is an entry in ClinVar:

ClinVar aggregate classification (germline): Uncertain significance (1 of 4 stars; one submission).

Allele frequency attached by ClinVar (database versions not stated): gnomAD 0.00001.
gnomAD v4.1: 1 of 1,611,664 alleles (0.000062%); highest among the groups gnomAD compares: Admixed American, 0.0017%; no homozygotes.

Submission:

Labcorp Genetics (formerly Invitae), Labcorp
Classification: Uncertain significance. Last evaluated: 2023-04-09. Review status: criteria provided, single submitter. Criteria: Invitae Variant Classification Sherloc (09022015). Collection method: clinical testing. Allele origin: germline.
Comment: This variant has not been reported in the literature in individuals affected with AFG3L2-related conditions. In summary, the available evidence is currently insufficient to determine the role of this variant in disease. Therefore, it has been classified as a Variant of Uncertain Significance. Algorithms developed to predict the effect of sequence changes on RNA splicing suggest that this variant is not likely to affect RNA splicing. This variant is not present in population databases (gnomAD no frequency). This sequence change affects codon 251 of the AFG3L2 mRNA. It is a 'silent' change, meaning that it does not change the encoded amino acid sequence of the AFG3L2 protein. It affects a nucleotide within the consensus splice site.

NM_006796.3(AFG3L2):c.753C>G (p.Gly251=)

Gene: AFG3L2 (AFG3 like matrix AAA peptidase subunit 2; minus strand). Cytogenetic location: 18p11.21.
Variant type: single nucleotide variant.
Coding change: c.753C>G on transcript NM_006796.3 (MANE Select); coding-DNA position 753, C replaced by G.
Protein change: p.Gly251=; no amino-acid change (glycine 251 retained).
Molecular consequence: synonymous variant.
Genome position (GRCh38, 1-based): chr18:12,358,943, G>C on the plus strand (C>G on the coding strand, the complement: AFG3L2 is on the minus strand). VCF-style: chr18-12358943-G-C. GRCh37 (hg19) VCF-style: chr18-12358942-G-C.
Identifiers: ClinVar variation 2844120 (VCV002844120.3), dbSNP rs1908576321, ClinGen allele CA503245112.